The following is an entry in ClinVar:

NM_182961.4(SYNE1):c.8488-262T>C

Genes: SYNE1 (spectrin repeat containing nuclear envelope protein 1; minus strand), LOC126859838 (CDK7 strongly-dependent group 2 enhancer GRCh37_chr6:152706655-152707854; plus strand). Cytogenetic location: 6q25.2.
Variant type: single nucleotide variant.
Coding change: c.8488-262T>C on transcript NM_182961.4 (MANE Select); 262 bases into the intron before coding-DNA position 8488, T replaced by C.
Molecular consequence: intron variant.
Genome position (GRCh38, 1-based): chr6:152,386,100, A>G on the plus strand (T>C on the coding strand, the complement: SYNE1 is on the minus strand). VCF-style: chr6-152386100-A-G. GRCh37 (hg19) VCF-style: chr6-152707235-A-G.
Other names: c.8509-262T>C (NM_033071.5).
Identifiers: ClinVar variation 671379 (VCV000671379.1), dbSNP rs76581988, ClinGen allele CA150237160.

ClinVar aggregate classification (germline): Benign (1 of 4 stars; one submission).

Allele frequency attached by ClinVar (database versions not stated): gnomAD 0.10157 and 0.10210; TOPMed 0.11246; 1000 Genomes Project 30x 0.15756; 1000 Genomes Project 0.15835.
gnomAD v4.1: 15,323 of 152,240 alleles (10%); highest among the groups gnomAD compares: African/African-American, 28%; 1,940 homozygotes.

Submission:

GeneDx
Classification: Benign. Last evaluated: 2018-06-19. Review status: criteria provided, single submitter. Criteria: GeneDx Variant Classification (06012015). Collection method: clinical testing. Allele origin: germline. Affected: yes.
Comment: This variant is considered likely benign or benign based on one or more of the following criteria: it is a conservative change, it occurs at a poorly conserved position in the protein, it is predicted to be benign by multiple in silico algorithms, and/or has population frequency not consistent with disease.